The following is an entry in ClinVar:

ClinVar aggregate classification (germline): Pathogenic (1 of 4 stars; one submission).

Conditions:
Inherited MMR deficiency (Lynch syndrome).

Submission:

Genomics and Molecular Medicine Service, East Genomic Laboratory Hub, NHS Genomic Medicine Service
Classification: Pathogenic for Inherited MMR deficiency (Lynch syndrome). Last evaluated: 2024-08-14. Review status: criteria provided, single submitter. Criteria: ACGS Best Practice Guidelines for Variant Classification in Rare Disease 2020. Collection method: clinical testing. Allele origin: germline. Affected: yes.
Comment: PVS1,PM2,PP4

NM_000179.3(MSH6):c.3359_3366dup (p.Glu1123fs)

Gene: MSH6 (mutS homolog 6; plus strand). Cytogenetic location: 2p16.3.
Variant type: Duplication.
Coding change: c.3359_3366dup on transcript NM_000179.3 (MANE Select); coding-DNA positions 3359 to 3366, 8 bases duplicated (AGGAGCAG; older notation c.3359_3366dupAGGAGCAG).
Protein change: p.Glu1123fs; shifts the reading frame from glutamic acid 1123.
Molecular consequence: frameshift variant. On other transcripts: non-coding transcript variant (5).
Genome position (GRCh38, 1-based): chr2:47,803,606-47,803,613, AGGAGCAG duplicated; duplicating any 8 consecutive bases within chr2:47,803,604-47,803,613 gives the same sequence; the c. name uses the placement nearest the transcript's 3' end. VCF-style (leftmost placement, unchanged base first): chr2-47803603-A-AAGAGGAGC. GRCh37 (hg19) VCF-style: chr2-48030742-A-AAGAGGAGC.
Other names: c.2969_2976dup, p.Glu993fs (NM_001281492.2); c.2453_2460dup, p.Glu821fs (NM_001281493.2, NM_001281494.2, NM_001406811.1 and 6 more transcripts); c.3455_3462dup, p.Glu1155fs (NM_001406795.1, NM_001406802.1); c.3359_3366dup, p.Glu1123fs (NM_001406796.1, NM_001406800.1, NM_001406808.1 and 1 more transcripts); c.3062_3069dup, p.Glu1024fs (NM_001406797.1, NM_001406801.1, NM_001406805.1 and 10 more transcripts); c.3185_3192dup, p.Glu1065fs (NM_001406798.1); c.2834_2841dup, p.Glu948fs (NM_001406799.1, NM_001406806.1, NM_001406807.1); c.2495_2502dup, p.Glu835fs (NM_001406803.1); and 7 more; short protein forms E1024fs, E1065fs, E1067fs, E1097fs, E1123fs, E1125fs, E1155fs, E438fs.
Identifiers: ClinVar variation 3387793 (VCV003387793.1).